The following is an entry in ClinVar:

NM_022132.5(MCCC2):c.124T>C (p.Tyr42His)

Gene: MCCC2 (methylcrotonyl-CoA carboxylase subunit 2; plus strand). Cytogenetic location: 5q13.2.
Variant type: single nucleotide variant.
Coding change: c.124T>C on transcript NM_022132.5 (MANE Select); coding-DNA position 124, T replaced by C.
Protein change: p.Tyr42His; replaces tyrosine 42 with histidine.
Molecular consequence: missense variant.
Genome position (GRCh38, 1-based): chr5:71,587,549, T>C. VCF-style: chr5-71587549-T-C. GRCh37 (hg19) VCF-style: chr5-70883376-T-C.
Other names: c.124T>C, p.Tyr42His (NM_001363147.1); short protein forms Y42H.
Identifiers: ClinVar variation 4754179 (VCV004754179.1).
Genomic context (GRCh38, chr5:71,587,549, plus strand): 5'-GCCTATCACGGGGACTCGGTGGCCTCGCTGGGCACCCAGCCGGACTTGGGCTCTGCCCTC[T>C]ACCAGGTAGGCTGAGCGCCCCGGTGGCCTGGCCGCCGGTGCCAGGCTAGGAAGCAAGTGG-3'
Protein context (NP_071415.1, residues 32-52): GTQPDLGSAL[Tyr42His]QENYKQMKAL

ClinVar aggregate classification (germline): Uncertain significance (1 of 4 stars; one submission).

Conditions:
3-methylcrotonyl-CoA carboxylase 2 deficiency. Also called: METHYLCROTONYLGLYCINURIA, TYPE II; 3 alpha methylcrotonyl-CoA carboxylase 2 deficiency; 3 alpha methylcrotonylglycinuria 2; MCC 2 deficiency; Methylcrotonylglycinuria type 2. Identifiers: Orphanet 6, MedGen C1859499, MONDO:0008862, OMIM 210210.

gnomAD v4.1: 17 of 1,537,108 alleles (0.0011%); highest among the groups gnomAD compares: Non-Finnish European, 0.0015%; no homozygotes.

Submission:

Labcorp Genetics (formerly Invitae), Labcorp
Classification: Uncertain significance for 3-methylcrotonyl-CoA carboxylase 2 deficiency. Last evaluated: 2025-09-22. Review status: criteria provided, single submitter. Criteria: Invitae Variant Classification Sherloc (09022015). Collection method: clinical testing. Allele origin: germline.
Comment: This sequence change replaces tyrosine, which is neutral and polar, with histidine, which is basic and polar, at codon 42 of the MCCC2 protein (p.Tyr42His). The frequency data for this variant in the population databases is considered unreliable, as metrics indicate poor data quality at this position in the gnomAD database. This missense change has been observed in individual(s) with clinical features of 3 Methylcrotonyl-CoA carboxylase deficiency (internal data). Invitae Evidence Modeling of protein sequence and biophysical properties (such as structural, functional, and spatial information, amino acid conservation, physicochemical variation, residue mobility, and thermodynamic stability) indicates that this missense variant is expected to disrupt MCCC2 protein function with a positive predictive value of 95%. This variant disrupts the p.Tyr42 amino acid residue in MCCC2. Other variant(s) that disrupt this residue have been observed in individuals with MCCC2-related conditions (internal data), which suggests that this may be a clinically significant amino acid residue. In summary, the available evidence is currently insufficient to determine the role of this variant in disease. Therefore, it has been classified as a Variant of Uncertain Significance.